The following is an entry in ClinVar:

ClinVar aggregate classification (germline): Likely benign. Review status: criteria provided, multiple submitters, no conflicts (2 of 4 stars). 2 submissions from 2 submitters: Likely benign (2). Last evaluated 2024-09-13.

Allele frequency attached by ClinVar (database versions not stated): ExAC 0.00012.

Submissions (2):

Blueprint Genetics
Classification: Likely benign. Last evaluated: 2024-09-13. Review status: criteria provided, single submitter. Criteria: ACMG Guidelines, 2015. Collection method: clinical testing. Allele origin: germline.

CeGaT Center for Human Genetics Tuebingen
Classification: Likely benign. Last evaluated: 2024-07-01. Review status: criteria provided, single submitter. Criteria: CeGaT Center For Human Genetics Tuebingen Variant Classification Criteria Version 2. Collection method: clinical testing. Allele origin: germline. Affected: yes. Observed: 2 variant alleles.
Comment: FMN2: BP4, BP7

NM_020066.5(FMN2):c.3402T>A (p.Pro1134=)

Gene: FMN2 (formin 2; plus strand). Cytogenetic location: 1q43.
Variant type: single nucleotide variant.
Coding change: c.3402T>A on transcript NM_020066.5 (MANE Select); coding-DNA position 3402, T replaced by A.
Protein change: p.Pro1134=; no amino-acid change (proline 1134 retained).
Molecular consequence: synonymous variant. On other transcripts: intron variant (1).
Genome position (GRCh38, 1-based): chr1:240,208,214, T>A. VCF-style: chr1-240208214-T-A. GRCh37 (hg19) VCF-style: chr1-240371514-T-A.
Other names: c.3414T>A, p.Pro1138= (NM_001305424.2); c.1986+19952T>A (NM_001348094.2).
Identifiers: ClinVar variation 2640191 (VCV002640191.25), dbSNP rs75765330, ClinGen allele CA1477155.